The following is an entry in ClinVar:

ClinVar aggregate classification (germline): Uncertain significance (1 of 4 stars; one submission).

Conditions:
Retinitis pigmentosa 12 (RP12). Also called: RP WITH OR WITHOUT PRESERVED PARAARTERIOLE RETINAL PIGMENT EPITHELIUM; RETINITIS PIGMENTOSA WITH OR WITHOUT PARAARTERIOLAR PRESERVATION OF RETINAL PIGMENT EPITHELIUM; RP WITH OR WITHOUT PPRPE. Identifiers: Orphanet 791, MedGen C1838647, MONDO:0010818, OMIM 600105.
Leber congenital amaurosis 8 (LCA8). Identifiers: Orphanet 65, MedGen C3151202, MONDO:0013453, OMIM 613835.

Allele frequency attached by ClinVar (database versions not stated): gnomAD exomes below 0.00001.

Submission:

Labcorp Genetics (formerly Invitae), Labcorp
Classification: Uncertain significance for Leber congenital amaurosis 8; Retinitis pigmentosa 12. Last evaluated: 2022-06-16. Review status: criteria provided, single submitter. Criteria: Invitae Variant Classification Sherloc (09022015). Collection method: clinical testing. Allele origin: germline.
Comment: This variant is present in population databases (no rsID available, gnomAD 0.003%). In summary, the available evidence is currently insufficient to determine the role of this variant in disease. Therefore, it has been classified as a Variant of Uncertain Significance. Algorithms developed to predict the effect of missense changes on protein structure and function output the following: SIFT: "Deleterious"; PolyPhen-2: "Benign"; Align-GVGD: "Class C35". The leucine amino acid residue is found in multiple mammalian species, which suggests that this missense change does not adversely affect protein function. This variant has not been reported in the literature in individuals affected with CRB1-related conditions. This sequence change replaces proline, which is neutral and non-polar, with leucine, which is neutral and non-polar, at codon 1399 of the CRB1 protein (p.Pro1399Leu).

NM_201253.3(CRB1):c.4196C>T (p.Pro1399Leu)

Gene: CRB1 (crumbs cell polarity complex component 1; plus strand). Cytogenetic location: 1q31.3.
Variant type: single nucleotide variant.
Coding change: c.4196C>T on transcript NM_201253.3 (MANE Select); coding-DNA position 4196, C replaced by T.
Protein change: p.Pro1399Leu; replaces proline 1399 with leucine.
Molecular consequence: missense variant. On other transcripts: non-coding transcript variant (2).
Genome position (GRCh38, 1-based): chr1:197,477,854, C>T. VCF-style: chr1-197477854-C-T. GRCh37 (hg19) VCF-style: chr1-197446984-C-T.
Other names: c.3860C>T, p.Pro1287Leu (NM_001193640.2); c.4124C>T, p.Pro1375Leu (NM_001257965.2); c.2588C>T, p.Pro863Leu (NM_001257966.2); short protein forms P1375L, P1287L, P1399L, P863L.
Identifiers: ClinVar variation 1392643 (VCV001392643.6), dbSNP rs1261177913, ClinGen allele CA344036031.
Genomic context (GRCh38, chr1:197,477,854, plus strand): 5'-ACAGCCCCAGCCGTCAGGAGAAGGAGGGCTCCCGAGTGGAAATGTGGAACTTGATGCCAC[C>T]CCCTGCAATGGAGAGACTGATTTAGGAGCATTGTGTCCCTTCGAGATGGGGATCCACACA-3'
Protein context (NP_957705.1, residues 1389-1406): SRVEMWNLMP[Pro1399Leu]PAMERLI